The following is an entry in ClinVar:

NM_018943.3(TUBA8):c.128T>C (p.Ile43Thr)

Gene: TUBA8 (tubulin alpha 8; plus strand). Cytogenetic location: 22q11.21.
Variant type: single nucleotide variant.
Coding change: c.128T>C on transcript NM_018943.3 (MANE Select); coding-DNA position 128, T replaced by C.
Protein change: p.Ile43Thr; replaces isoleucine 43 with threonine.
Molecular consequence: missense variant. On other transcripts: 5 prime UTR variant (1).
Genome position (GRCh38, 1-based): chr22:18,121,603, T>C. VCF-style: chr22-18121603-T-C. GRCh37 (hg19) VCF-style: chr22-18604370-T-C.
Other names: c.-71T>C (NM_001193414.2); c.128T>C (NM_018943.2); short protein forms I43T.
Identifiers: ClinVar variation 1511691 (VCV001511691.9), dbSNP rs2123699877, ClinGen allele CA410261673.

ClinVar aggregate classification (germline): Uncertain significance. Review status: criteria provided, multiple submitters, no conflicts (2 of 4 stars). 2 submissions from 2 submitters: Uncertain significance (2). Last evaluated 2024-06-17.

Allele frequency attached by ClinVar (database versions not stated): gnomAD exomes below 0.00001.

Submissions (2):

Labcorp Genetics (formerly Invitae), Labcorp
Classification: Uncertain significance. Last evaluated: 2024-06-17. Review status: criteria provided, single submitter. Criteria: Invitae Variant Classification Sherloc (09022015). Collection method: clinical testing. Allele origin: germline.
Comment: This sequence change replaces isoleucine, which is neutral and non-polar, with threonine, which is neutral and polar, at codon 43 of the TUBA8 protein (p.Ile43Thr). This variant is not present in population databases (gnomAD no frequency). This variant has not been reported in the literature in individuals affected with TUBA8-related conditions. ClinVar contains an entry for this variant (Variation ID: 1511691). Advanced modeling of protein sequence and biophysical properties (such as structural, functional, and spatial information, amino acid conservation, physicochemical variation, residue mobility, and thermodynamic stability) performed at Invitae indicates that this missense variant is not expected to disrupt TUBA8 protein function with a negative predictive value of 80%. In summary, the available evidence is currently insufficient to determine the role of this variant in disease. Therefore, it has been classified as a Variant of Uncertain Significance.

Ambry Genetics
Classification: Uncertain significance. Last evaluated: 2023-12-27. Review status: criteria provided, single submitter. Criteria: Ambry Variant Classification Scheme 2023. Collection method: clinical testing. Allele origin: germline.